The following is an entry in ClinVar:

NM_001009944.3(PKD1):c.2396G>A (p.Arg799Gln)

Gene: PKD1 (polycystin 1, transient receptor potential channel interacting; minus strand). Cytogenetic location: 16p13.3.
Variant type: single nucleotide variant.
Coding change: c.2396G>A on transcript NM_001009944.3 (MANE Select); coding-DNA position 2396, G replaced by A.
Protein change: p.Arg799Gln; replaces arginine 799 with glutamine.
Molecular consequence: missense variant.
Genome position (GRCh38, 1-based): chr16:2,114,627, C>T on the plus strand (G>A on the coding strand, the complement: PKD1 is on the minus strand). VCF-style: chr16-2114627-C-T. GRCh37 (hg19) VCF-style: chr16-2164628-C-T.
Other names: c.2396G>A, p.Arg799Gln (NM_000296.4); short protein forms R799Q.
Identifiers: ClinVar variation 997195 (VCV000997195.3), dbSNP rs766489466, ClinGen allele CA7833225.

ClinVar aggregate classification (germline): Uncertain significance. Review status: criteria provided, multiple submitters, no conflicts (2 of 4 stars). 3 submissions from 3 submitters: Uncertain significance (2). 1 of the submissions does not count toward it. Last evaluated 2024-05-31.

Conditions:
Polycystic kidney disease, adult type (PKD1). Also called: POLYCYSTIC KIDNEY DISEASE, ADULT, TYPE I; Polycystic Kidney Disease 1, Autosomal Dominant; Polycystic kidney disease 1; Polycystic kidney disease 1, severe; Polycystic Kidney, Autosomal Dominant; POLYCYSTIC KIDNEY DISEASE 1 WITH OR WITHOUT POLYCYSTIC LIVER DISEASE. Identifiers: MedGen C3149841, MONDO:0008263, OMIM 173900.
Polycystic kidney disease. Also called: Polycystic kidney dysplasia; Kidney, Polycystic. Identifiers: MedGen C0022680, MeSH D007690, MONDO:0020642, HP:0000113.

Allele frequency attached by ClinVar (database versions not stated): gnomAD exomes 0.00001; TOPMed 0.00001; ExAC 0.00003; gnomAD 0.00003.
gnomAD v4.1: 12 of 1,572,428 alleles (0.00076%); highest among the groups gnomAD compares: Middle Eastern, 0.023%; no homozygotes.

Submissions (3):

Fulgent Genetics
Classification: Uncertain significance for Polycystic kidney disease, adult type. Last evaluated: 2024-05-31. Review status: criteria provided, single submitter. Criteria: ACMG Guidelines, 2015. Collection method: clinical testing. Allele origin: germline.

Breakthrough Genomics
Classification: Uncertain significance. Review status: criteria provided, single submitter. Criteria: ACMG Guidelines, 2015. Collection method: not provided. Allele origin: germline. Inheritance: Autosomal dominant inheritance. Affected: yes.

Department of Pathology and Laboratory Medicine, Sinai Health System
Classification: Uncertain significance for Polycystic Kidney disease. Review status: no assertion criteria provided. Collection method: clinical testing. Allele origin: unknown. Affected: yes. Study: The Canadian Open Genetics Repository (COGR). Not counted in ClinVar's aggregate classification.
Comment: The PKD1 p.Arg799Gln variant was identified in 1 of 130 proband chromosomes (frequency: 0.008) from individuals or families with polycystic kidney disease (Yu 2011). The variant was identified in dbSNP (rs766489466) as â€šÃ„ÃºNAâ€šÃ„Ã¹ and ADPKD Mutation Database (observed 1x). The variant was not identified in ClinVar, LOVD 3.0 and PKD1-LOVD. The variant was identified in control databases in 1 of 175,960 chromosomes at a frequency of 0.000006 (Genome Aggregation Database Feb 27, 2017). The variant was observed in the European population in 1 of 78,378 chromosomes (freq: 0.00001); it was not observed in the African, Latino, Ashkenazi Jewish, East Asian, Other, South Asian or Finnish populations. In addition, we cannot be certain that data from control databases is specific to PKD1 and not from one of the six PKD1 pseudogenes. The p.Arg799 residue is conserved in in mammals but not in more distantly related organisms however computational analyses (PolyPhen-2, SIFT, AlignGVGD, BLOSUM, MutationTaster) do not suggest a high likelihood of impact to the protein; this information is not predictive enough to rule out pathogenicity. The variant occurs outside of the splicing consensus sequence and 3 of 4 in silico or computational prediction software programs (SpliceSiteFinder, MaxEntScan, NNSPLICE, GeneSplicer) predict a greater than 10% difference in splicing; this information is not predictive enough to assume pathogenicity. In summary, based on the above information, the clinical significance of this variant cannot be determined with certainty at this time. This variant is classified as a variant of uncertain significance.